The following is an entry in ClinVar:

NM_003640.5(ELP1):c.2778A>G (p.Lys926=)

Gene: ELP1 (elongator acetyltransferase complex subunit 1; minus strand). Cytogenetic location: 9q31.3.
Variant type: single nucleotide variant.
Coding change: c.2778A>G on transcript NM_003640.5 (MANE Select); coding-DNA position 2778, A replaced by G.
Protein change: p.Lys926=; no amino-acid change (lysine 926 retained).
Molecular consequence: synonymous variant.
Genome position (GRCh38, 1-based): chr9:108,894,025, T>C on the plus strand (A>G on the coding strand, the complement: ELP1 is on the minus strand). VCF-style: chr9-108894025-T-C. GRCh37 (hg19) VCF-style: chr9-111656305-T-C.
Other names: c.2436A>G, p.Lys812= (NM_001318360.2); c.1731A>G, p.Lys577= (NM_001330749.2); c.2778A>G (LRG_251t1).
Identifiers: ClinVar variation 526205 (VCV000526205.21), dbSNP rs751179612, ClinGen allele CA5174540.
Genomic context (GRCh38, chr9:108,894,025, plus strand): 5'-GGCTTTTTCATATCGTTTCAAGTATTTGTCTATAGTAAACCGCTGATAATTAGTTTCCAT[T>C]TTCTTAAGTGTATTAAGAAATGGAAGATATTCTTTGGGATCCTAAAAAAATGATTAATGA-3'
Protein context (NP_003631.2, residues 916-936): EYLPFLNTLK[Lys926=]METNYQRFTI

ClinVar aggregate classification (germline): Likely benign. Review status: criteria provided, multiple submitters, no conflicts (2 of 4 stars). 4 submissions from 4 submitters: Likely benign (4). Last evaluated 2025-12-20.

Conditions:
Familial dysautonomia. Also called: FD; HSAN III. Identifiers: Orphanet 1764, MedGen C0013364, MONDO:0009131, OMIM 223900. Disease mechanism: loss of function.
Medulloblastoma (MDB). Also called: Medulloblastoma, somatic; MEDULLOBLASTOMA PREDISPOSITION SYNDROME. Identifiers: Orphanet 616, MedGen C0025149, MeSH D008527, MONDO:0007959, OMIM 155255, HP:0002885.

Allele frequency attached by ClinVar (database versions not stated): gnomAD 0.00001; ExAC 0.00002; gnomAD exomes 0.00002 and 0.00004; TOPMed 0.00002.
gnomAD v4.1: 63 of 1,575,750 alleles (0.004%); highest among the groups gnomAD compares: Non-Finnish European, 0.005%; no homozygotes.

Submissions (4):

Labcorp Genetics (formerly Invitae), Labcorp
Classification: Likely benign. Last evaluated: 2025-12-20. Review status: criteria provided, single submitter. Criteria: Invitae Variant Classification Sherloc (09022015). Collection method: clinical testing. Allele origin: germline.

Fulgent Genetics
Classification: Likely benign for Medulloblastoma; Familial dysautonomia. Last evaluated: 2021-12-20. Review status: criteria provided, single submitter. Criteria: ACMG Guidelines, 2015. Collection method: clinical testing. Allele origin: unknown.

Ambry Genetics
Classification: Likely benign. Last evaluated: 2019-07-11. Review status: criteria provided, single submitter. Criteria: Ambry Variant Classification Scheme 2023. Collection method: clinical testing. Allele origin: germline.

ARUP Laboratories, Molecular Genetics and Genomics, ARUP Laboratories
Classification: Likely benign. Last evaluated: 2017-06-26. Review status: criteria provided, single submitter. Criteria: ARUP Molecular Germline Variant Investigation Process. Collection method: clinical testing. Allele origin: germline.
Comment: The c.2778A>G variant has not been previously associated with any peripheral neuropathy. This variant is rare in the general population, and is listed in the Genome Aggregation Database (gnomAD) browser with a frequency in non-Finnish Europeans of 0.004% (identified in 4 out of 111,180 chromosomes). However, this variant affects a weakly conserved nucleotide (Alamut software v 2.9), does not alter the amino acid sequence of IKBKAP protein, and is not predicted to alter IKBKAP mRNA splicing (Alamut software v 2.9). Therefore, the c.2778A>G variant is likely to be benign.